The following is an entry in ClinVar:

NM_003072.5(SMARCA4):c.3464G>A (p.Ser1155Asn)

Gene: SMARCA4 (SWI/SNF related BAF chromatin remodeling complex subunit ATPase 4; plus strand). Cytogenetic location: 19p13.2.
Variant type: single nucleotide variant.
Coding change: c.3464G>A on transcript NM_003072.5 (MANE Select); coding-DNA position 3464, G replaced by A.
Protein change: p.Ser1155Asn; replaces serine 1155 with asparagine.
Molecular consequence: missense variant. On other transcripts: non-coding transcript variant (1).
Genome position (GRCh38, 1-based): chr19:11,030,811, G>A. VCF-style: chr19-11030811-G-A. GRCh37 (hg19) VCF-style: chr19-11141487-G-A.
Other names: c.3464G>A, p.Ser1155Asn (NM_001128844.3, NM_001128845.2, NM_001128846.2 and 6 more transcripts); short protein forms S1155N.
Identifiers: ClinVar variation 3636877 (VCV003636877.2).

ClinVar aggregate classification (germline): Uncertain significance (1 of 4 stars; one submission).

Conditions:
Rhabdoid tumor predisposition syndrome 2 (RTPS2). Identifiers: Orphanet 231108, Orphanet 69077, MedGen C2750074, MONDO:0013224, OMIM 613325.

Submission:

Labcorp Genetics (formerly Invitae), Labcorp
Classification: Uncertain significance for Rhabdoid tumor predisposition syndrome 2. Last evaluated: 2024-10-30. Review status: criteria provided, single submitter. Criteria: Invitae Variant Classification Sherloc (09022015). Collection method: clinical testing. Allele origin: germline.
Comment: This sequence change replaces serine, which is neutral and polar, with asparagine, which is neutral and polar, at codon 1155 of the SMARCA4 protein (p.Ser1155Asn). This variant is not present in population databases (gnomAD no frequency). This variant has not been reported in the literature in individuals affected with SMARCA4-related conditions. Invitae Evidence Modeling of protein sequence and biophysical properties (such as structural, functional, and spatial information, amino acid conservation, physicochemical variation, residue mobility, and thermodynamic stability) indicates that this missense variant is expected to disrupt SMARCA4 protein function with a positive predictive value of 95%. In summary, the available evidence is currently insufficient to determine the role of this variant in disease. Therefore, it has been classified as a Variant of Uncertain Significance.